The following is an entry in ClinVar:

NM_000277.3(PAH):c.934G>A (p.Gly312Ser)

Gene: PAH (phenylalanine hydroxylase; minus strand). Cytogenetic location: 12q23.2.
Variant type: single nucleotide variant.
Coding change: c.934G>A on transcript NM_000277.3 (MANE Select); coding-DNA position 934, G replaced by A.
Protein change: p.Gly312Ser; replaces glycine 312 with serine.
Molecular consequence: missense variant.
Genome position (GRCh38, 1-based): chr12:102,846,930, C>T on the plus strand (G>A on the coding strand, the complement: PAH is on the minus strand). VCF-style: chr12-102846930-C-T. GRCh37 (hg19) VCF-style: chr12-103240708-C-T.
Other names: c.934G>A, p.Gly312Ser (NM_001354304.2); short protein forms G312S.
Identifiers: ClinVar variation 3902505 (VCV003902505.1).
Genomic context (GRCh38, chr12:102,846,930, plus strand): 5'-CCACCCAGGGAGAGAAGGGACTTACTGTGGCGAGCTTTTCAATGTATTCATCAGGTGCAC[C>T]CAGAGAGGCAAGGCCAATTTCCTGTAATTGGGGGAAAATAGAACCTGTTCTGTTCCTGTA-3'
Protein context (NP_000268.1, residues 302-322): FSQEIGLASL[Gly312Ser]APDEYIEKLA

ClinVar aggregate classification (germline): Uncertain significance (1 of 4 stars; one submission).

gnomAD v4.1: 3 of 1,613,602 alleles (0.00019%); highest among the groups gnomAD compares: Non-Finnish European, 0.00025%; no homozygotes.

Submission:

Women's Health and Genetics/Laboratory Corporation of America, LabCorp
Classification: Uncertain significance. Last evaluated: 2025-05-05. Review status: criteria provided, single submitter. Criteria: LabCorp Variant Classification Summary - May 2015. Collection method: clinical testing. Allele origin: germline.
Comment: Variant summary: PAH c.934G>A (p.Gly312Ser) results in a non-conservative amino acid change in the encoded protein sequence. Algorithms developed to predict the effect of missense changes on protein structure and function all suggest that this variant is likely to be disruptive. The variant allele was found at a frequency of 4e-06 in 251274 control chromosomes. The available data on variant occurrences in the general population are insufficient to allow any conclusion about variant significance. c.934G>A has been observed in at least one individual affected with Phenylalanine Hydroxylase Deficiency (Phenylketonuria) without reported second variant (e.g. Kuznetcova_2019). These reports do not provide unequivocal conclusions about association of the variant with Phenylalanine Hydroxylase Deficiency (Phenylketonuria). To our knowledge, no experimental evidence demonstrating an impact on protein function has been reported. The following publication has been ascertained in the context of this evaluation (PMID: 31332730). No submitters have cited clinical-significance assessments for this variant to ClinVar. Based on the evidence outlined above, the variant was classified as uncertain significance.

Literature cited by the submitters: PubMed 31332730.